The following is an entry in ClinVar:

NM_024426.6(WT1):c.1183C>A (p.Pro395Thr)

Gene: WT1 (WT1 transcription factor; minus strand). Cytogenetic location: 11p13.
Variant type: single nucleotide variant.
Coding change: c.1183C>A on transcript NM_024426.6 (MANE Select); coding-DNA position 1183, C replaced by A.
Protein change: p.Pro395Thr; replaces proline 395 with threonine.
Molecular consequence: missense variant. On other transcripts: 5 prime UTR variant (1), non-coding transcript variant (1).
Genome position (GRCh38, 1-based): chr11:32,396,338, G>T on the plus strand (C>A on the coding strand, the complement: WT1 is on the minus strand). VCF-style: chr11-32396338-G-T. GRCh37 (hg19) VCF-style: chr11-32417884-G-T.
Other names: c.1132C>A, p.Pro378Thr (NM_000378.6, NM_001407045.1, NM_001407048.1 and 1 more transcripts); c.532C>A, p.Pro178Thr (NM_001198551.2); c.481C>A, p.Pro161Thr (NM_001198552.2); c.-6C>A (NM_001367854.1); c.1177C>A, p.Pro393Thr (NM_001407044.1); c.1183C>A, p.Pro395Thr (NM_001407046.1, NM_024424.5); c.1060C>A, p.Pro354Thr (NM_001407047.1); c.1009C>A, p.Pro337Thr (NM_001407050.1); and 3 more; short protein forms P161T, P178T, P378T, P395T, P141T, P390T, P337T, P373T.
Identifiers: ClinVar variation 1057438 (VCV001057438.15), dbSNP rs267602850, ClinGen allele CA379959950.

ClinVar aggregate classification (germline): Uncertain significance. Review status: criteria provided, multiple submitters, no conflicts (2 of 4 stars). 6 submissions from 6 submitters: Uncertain significance (6). Last evaluated 2025-09-16.

Conditions:
WT1-related disorder. Also called: WT1-related disorders. Identifiers: MedGen CN377814.
Frasier syndrome. Identifiers: Orphanet 347, MedGen C0950122, MeSH D052159, MONDO:0007635, OMIM 136680.
Wilms tumor 1 (WT1). Also called: Wilms tumor, somatic. Identifiers: Orphanet 654, MedGen CN033288, MONDO:0008679, OMIM 194070.
11p partial monosomy syndrome (WAGR). Also called: WAGR Complex; CHROMOSOME 11p13 DELETION SYNDROME; WAGR syndrome; WAGR Spectrum Disorder. Identifiers: Orphanet 893, MedGen C0206115, MONDO:0008681, OMIM 194072.
Drash syndrome (DDS). Also called: NEPHROPATHY, WILMS TUMOR, AND GENITAL ANOMALIES; WILMS TUMOR AND PSEUDO- OR TRUE HERMAPHRODITISM. Identifiers: Orphanet 220, MedGen C0950121, MONDO:0008682, OMIM 194080.
Inborn genetic diseases. Identifiers: MedGen C0950123, MeSH D030342.

Allele frequency attached by ClinVar (database versions not stated): gnomAD exomes below 0.00001.
gnomAD v4.1: 1 of 1,614,156 alleles (0.000062%); highest among the groups gnomAD compares: Non-Finnish European, 0.000085%; no homozygotes.

Submissions (6):

Labcorp Genetics (formerly Invitae), Labcorp
Classification: Uncertain significance for Wilms tumor 1; Drash syndrome; 11p partial monosomy syndrome; Frasier syndrome. Last evaluated: 2025-09-16. Review status: criteria provided, single submitter. Criteria: Invitae Variant Classification Sherloc (09022015). Collection method: clinical testing. Allele origin: germline.
Comment: This sequence change replaces proline, which is neutral and non-polar, with threonine, which is neutral and polar, at codon 390 of the WT1 protein (p.Pro390Thr). This variant is not present in population databases (gnomAD no frequency). This missense change has been observed in individual(s) with Wilms tumor, cryptorchidism and chronic glomerulonephritis (PMID: 9817285). This variant is also known as p.Pro322Thr. ClinVar contains an entry for this variant (Variation ID: 1057438). Invitae Evidence Modeling of protein sequence and biophysical properties (such as structural, functional, and spatial information, amino acid conservation, physicochemical variation, residue mobility, and thermodynamic stability) indicates that this missense variant is expected to disrupt WT1 protein function with a positive predictive value of 95%. In summary, the available evidence is currently insufficient to determine the role of this variant in disease. Therefore, it has been classified as a Variant of Uncertain Significance.

Ambry Genetics
Classification: Uncertain significance for Inborn genetic diseases. Last evaluated: 2025-01-09. Review status: criteria provided, single submitter. Criteria: Ambry Variant Classification Scheme 2023. Collection method: clinical testing. Allele origin: germline.
Comment: The p.P390T variant (also known as c.1168C>A), located in coding exon 7 of the WT1 gene, results from a C to A substitution at nucleotide position 1168. The proline at codon 390 is replaced by threonine, an amino acid with highly similar properties. This variant was reported in individual(s) with features consistent with WT1-related disorders; in at least one individual a second WT1 variant, p.R361* was also detected (Diller L et al. J Clin Oncol, 1998 Nov;16:3634-40). This amino acid position is highly conserved in available vertebrate species. In addition, this alteration is predicted to be deleterious by in silico analysis. Based on the available evidence, the clinical significance of this variant remains unclear.

All of Us Research Program, National Institutes of Health
Classification: Uncertain significance for Wilms tumor 1. Last evaluated: 2024-05-30. Review status: criteria provided, single submitter. Criteria: ACMG Guidelines, 2015. Collection method: clinical testing. Allele origin: germline. Inheritance: Autosomal dominant inheritance. Observed: 1 variant allele, 1 heterozygote.
Comment: This missense variant replaces proline with threonine at codon 390 of the WT1 protein. Computational prediction suggests that this variant may not impact protein structure and function To our knowledge, functional studies have not been reported for this variant. This variant has been observed with a WT1 nonsense covariant, p.Arg361*, in an individual affected with unilateral Wilms tumor, unilateral cryptorchidism and chronic glomerulonephritis (PMID: 9817285). This variant has not been identified in the general population by the Genome Aggregation Database (gnomAD). The available evidence is insufficient to determine the role of this variant in disease conclusively. Therefore, this variant is classified as a Variant of Uncertain Significance.

This study involves interpretation of variants in research participants for the purpose of population health screening. Participant phenotype was not available at the time of variant classification. Additional details can be found in publication PMID: 35346344, PMCID: PMC8962531

Color Diagnostics, LLC DBA Color Health
Classification: Uncertain significance for Wilms tumor 1. Last evaluated: 2024-05-14. Review status: criteria provided, single submitter. Criteria: ACMG Guidelines, 2015. Collection method: clinical testing. Allele origin: germline.
Comment: This missense variant replaces proline with threonine at codon 390 of the WT1 protein. Computational prediction suggests that this variant may not impact protein structure and function To our knowledge, functional studies have not been reported for this variant. This variant has been observed with a WT1 nonsense covariant, p.Arg361*, in an individual affected with unilateral Wilms tumor, unilateral cryptorchidism and chronic glomerulonephritis (PMID: 9817285). This variant has not been identified in the general population by the Genome Aggregation Database (gnomAD). The available evidence is insufficient to determine the role of this variant in disease conclusively. Therefore, this variant is classified as a Variant of Uncertain Significance.

GeneDx
Classification: Uncertain significance. Last evaluated: 2023-08-14. Review status: criteria provided, single submitter. Criteria: GeneDx Variant Classification Process June 2021. Collection method: clinical testing. Allele origin: germline. Affected: yes.
Comment: Observed in an individual with unilateral Wilm's tumor, unilateral cryptorchidism, and chronic glomerulonephritis who also harbored a nonsense variant in WT1 (Diller et al., 1998); In silico analysis supports that this missense variant has a deleterious effect on protein structure/function; Not observed at significant frequency in large population cohorts (gnomAD); Also known as p.P322T; This variant is associated with the following publications: (PMID: 17361230, 9817285)

PreventionGenetics, part of Exact Sciences
Classification: Uncertain significance for WT1-related condition. Last evaluated: 2023-05-15. Review status: criteria provided, single submitter. Criteria: ACMG Guidelines, 2015. Collection method: clinical testing. Allele origin: germline.
Comment: The WT1 c.1168C>A variant is predicted to result in the amino acid substitution p.Pro390Thr. This variant has been reported in an individual with Wilms tumor, cryptorchidism and chronic glomerulonephritis who also carriers a nonsense variant in WT1 (described as p.Pro322Thr in Diller L et al 1998. PubMed ID: 9817285). This variant has not been reported in a large population database, indicating this variant is rare. At this time, the clinical significance of this variant is uncertain due to the absence of conclusive functional and genetic evidence.

Literature cited by the submitters: PubMed 9817285 (cited by 4 submitters).